The following is an entry in ClinVar:

NM_001281747.2(MLIP):c.2060C>A (p.Thr687Asn)

Gene: MLIP (muscular LMNA interacting protein; plus strand). Cytogenetic location: 6p12.1.
Variant type: single nucleotide variant.
Coding change: c.2060C>A on transcript NM_001281747.2 (MANE Select); coding-DNA position 2060, C replaced by A.
Protein change: p.Thr687Asn; replaces threonine 687 with asparagine.
Molecular consequence: missense variant. On other transcripts: intron variant (1).
Genome position (GRCh38, 1-based): chr6:54,138,129, C>A. VCF-style: chr6-54138129-C-A. GRCh37 (hg19) VCF-style: chr6-54002927-C-A.
Other names: c.2027C>A, p.Thr676Asn (NM_001281746.2); c.613-10927C>A (NM_138569.3); short protein forms T676N, T687N.
Identifiers: ClinVar variation 4981419 (VCV004981419.1).

ClinVar aggregate classification (germline): Uncertain significance (1 of 4 stars; one submission).

Conditions:
MLIP-related disorder. Also called: MLIP-related condition.

gnomAD v4.1: 88 of 1,536,018 alleles (0.0057%); highest among the groups gnomAD compares: Middle Eastern, 0.017%; no homozygotes.

Submission:

PreventionGenetics, part of Exact Sciences
Classification: Uncertain significance for MLIP-related condition. Last evaluated: 2025-06-04. Review status: criteria provided, single submitter. Criteria: ACMG Guidelines, 2015. Collection method: clinical testing. Allele origin: germline.
Comment: The MLIP c.2060C>A variant is predicted to result in the amino acid substitution p.Thr687Asn. To our knowledge, this variant has not been reported in the literature. This variant is reported in 0.017% of alleles in individuals of East Asian descent in gnomAD. At this time, the clinical significance of this variant is uncertain due to the absence of conclusive functional and genetic evidence.